The following is an entry in ClinVar:

ClinVar aggregate classification (germline): Conflicting classifications of pathogenicity. Review status: criteria provided, conflicting classifications (1 of 4 stars). 5 submissions from 5 submitters: Uncertain significance (1); Benign (1); Likely benign (3). Last evaluated 2025-12-22.

Conditions:
Tuberous sclerosis syndrome (TSC). Also called: Tuberous Sclerosis Complex; Tuberous sclerosis. Identifiers: Orphanet 805, MedGen C0041341, MONDO:0001734.
Tuberous sclerosis 2 (TSC2). Identifiers: Orphanet 805, MedGen C1860707, MONDO:0013199, OMIM 613254.
Hereditary cancer-predisposing syndrome. Also called: Hereditary neoplastic syndrome; Tumor predisposition; Neoplastic Syndromes, Hereditary; Hereditary Cancer Syndrome. Identifiers: Orphanet 140162, MedGen C0027672, MeSH D009386, MONDO:0015356.

Allele frequency attached by ClinVar (database versions not stated): gnomAD below 0.00001 and 0.00001; TOPMed below 0.00001.
gnomAD v4.1: 10 of 1,607,204 alleles (0.00062%); highest among the groups gnomAD compares: South Asian, 0.0011%; no homozygotes.

Submissions (5):

Labcorp Genetics (formerly Invitae), Labcorp
Classification: Benign for Tuberous sclerosis 2. Last evaluated: 2025-12-22. Review status: criteria provided, single submitter. Criteria: Invitae Variant Classification Sherloc (09022015). Collection method: clinical testing. Allele origin: germline.

CeGaT Center for Human Genetics Tuebingen
Classification: Likely benign. Last evaluated: 2025-07-01. Review status: criteria provided, single submitter. Criteria: CeGaT Center For Human Genetics Tuebingen Variant Classification Criteria Version 2. Collection method: clinical testing. Allele origin: germline. Affected: yes. Observed: 1 variant allele.
Comment: TSC2: BP4, BS2

Myriad Genetics, Inc.
Classification: Likely benign for Tuberous sclerosis 2. Last evaluated: 2025-05-09. Review status: criteria provided, single submitter. Criteria: Myriad Autosomal Dominant, Autosomal Recessive and X-Linked Classification Criteria (2023). Collection method: clinical testing. Allele origin: unknown.
Comment: This variant is considered likely benign. This variant is intronic and is not expected to impact mRNA splicing.

All of Us Research Program, National Institutes of Health
Classification: Uncertain significance for Tuberous sclerosis syndrome. Last evaluated: 2023-05-16. Review status: criteria provided, single submitter. Criteria: ACMG Guidelines, 2015. Collection method: clinical testing. Allele origin: germline. Inheritance: Autosomal dominant inheritance. Observed: 1 variant allele, 1 heterozygote.
Comment: This variant causes a G to A nucleotide substitution at the +4 position of intron 8 of the TSC2 gene. Splice site prediction tools suggest that this variant may impact RNA splicing. To our knowledge, functional studies have not been reported for this variant. This variant has not been reported in individuals affected with tuberous sclerosis complex in the literature. This variant has not been identified in the general population by the Genome Aggregation Database (gnomAD). The available evidence is insufficient to determine the role of this variant in disease conclusively. Therefore, this variant is classified as a Variant of Uncertain Significance.

This study involves interpretation of variants in research participants for the purpose of population health screening. Participant phenotype was not available at the time of variant classification. Additional details can be found in publication PMID: 35346344, PMCID: PMC8962531

Ambry Genetics
Classification: Likely benign for Hereditary cancer-predisposing syndrome. Last evaluated: 2019-04-05. Review status: criteria provided, single submitter. Criteria: Ambry Variant Classification Scheme 2023. Collection method: clinical testing. Allele origin: germline.

NM_000548.5(TSC2):c.774+4G>A

Gene: TSC2 (TSC complex subunit 2; plus strand). Cytogenetic location: 16p13.3.
Variant type: single nucleotide variant.
Coding change: c.774+4G>A on transcript NM_000548.5 (MANE Select); 4 bases into the intron after coding-DNA position 774, G replaced by A.
Molecular consequence: intron variant.
Genome position (GRCh38, 1-based): chr16:2,056,773, G>A. VCF-style: chr16-2056773-G-A. GRCh37 (hg19) VCF-style: chr16-2106774-G-A.
Other names: c.774+4G>A (NM_001114382.3, NM_021055.3, NM_001370405.1 and 3 more transcripts); c.663+4G>A (NM_001318827.2); c.174+4G>A (NM_001318831.2); c.627+4G>A (NM_001318829.2); c.807+4G>A (NM_001318832.2).
Identifiers: ClinVar variation 468182 (VCV000468182.23), dbSNP rs1244859914, ClinGen allele CA658658357.